The following is an entry in ClinVar:

NM_000179.3(MSH6):c.2309G>A (p.Gly770Asp)

Gene: MSH6 (mutS homolog 6; plus strand). Cytogenetic location: 2p16.3.
Variant type: single nucleotide variant.
Coding change: c.2309G>A on transcript NM_000179.3 (MANE Select); coding-DNA position 2309, G replaced by A.
Protein change: p.Gly770Asp; replaces glycine 770 with aspartic acid.
Molecular consequence: missense variant.
Genome position (GRCh38, 1-based): chr2:47,800,292, G>A. VCF-style: chr2-47800292-G-A. GRCh37 (hg19) VCF-style: chr2-48027431-G-A.
Other names: c.1919G>A, p.Gly640Asp (NM_001281492.2); c.1403G>A, p.Gly468Asp (NM_001281493.2, NM_001281494.2); short protein forms G770D, G640D, G468D.
Identifiers: ClinVar variation 141080 (VCV000141080.14), dbSNP rs587781478, ClinGen allele CA010002.

ClinVar aggregate classification (germline): Uncertain significance. Review status: criteria provided, multiple submitters, no conflicts (2 of 4 stars). 2 submissions from 2 submitters: Uncertain significance (2). Last evaluated 2026-08-27.

Conditions:
Hereditary nonpolyposis colorectal neoplasms. Identifiers: MedGen C0009405, MeSH D003123.
Hereditary cancer-predisposing syndrome. Also called: Neoplastic Syndromes, Hereditary; Hereditary Cancer Syndrome; Tumor predisposition; Hereditary neoplastic syndrome. Identifiers: Orphanet 140162, MedGen C0027672, MeSH D009386, MONDO:0015356.

Submissions (2):

Ambry Genetics
Classification: Uncertain significance for Hereditary cancer-predisposing syndrome. Last evaluated: 2026-08-27. Review status: criteria provided, single submitter. Criteria: Ambry Variant Classification Scheme 2023. Collection method: clinical testing. Allele origin: germline.
Comment: The p.G770D variant (also known as c.2309G>A), located in coding exon 4 of the MSH6 gene, results from a G to A substitution at nucleotide position 2309. The glycine at codon 770 is replaced by aspartic acid, an amino acid with similar properties. This amino acid position is highly conserved in available vertebrate species. In addition, this alteration is predicted to be deleterious by in silico analysis. Based on the available evidence, the clinical significance of this variant remains unclear.

Labcorp Genetics (formerly Invitae), Labcorp
Classification: Uncertain significance for Hereditary nonpolyposis colorectal neoplasms. Last evaluated: 2021-11-15. Review status: criteria provided, single submitter. Criteria: Invitae Variant Classification Sherloc (09022015). Collection method: clinical testing. Allele origin: germline.
Comment: In summary, the available evidence is currently insufficient to determine the role of this variant in disease. Therefore, it has been classified as a Variant of Uncertain Significance. Advanced modeling of protein sequence and biophysical properties (such as structural, functional, and spatial information, amino acid conservation, physicochemical variation, residue mobility, and thermodynamic stability) performed at Invitae indicates that this missense variant is expected to disrupt MSH6 protein function. ClinVar contains an entry for this variant (Variation ID: 141080). This variant has not been reported in the literature in individuals affected with MSH6-related conditions. This variant is not present in population databases (gnomAD no frequency). This sequence change replaces glycine, which is neutral and non-polar, with aspartic acid, which is acidic and polar, at codon 770 of the MSH6 protein (p.Gly770Asp).